The following is an entry in ClinVar:

ClinVar aggregate classification (germline): Uncertain significance. Review status: criteria provided, multiple submitters, no conflicts (2 of 4 stars). 2 submissions from 2 submitters: Uncertain significance (2). Last evaluated 2025-10-13.

Allele frequency attached by ClinVar (database versions not stated): gnomAD 0.00002 and 0.00007; ESP Exome Variant Server 0.00008; gnomAD exomes 0.00019; ExAC 0.00026; 1000 Genomes Project 30x 0.00031; 1000 Genomes Project 0.00040.
gnomAD v4.1: 216 of 1,608,284 alleles (0.013%); highest among the groups gnomAD compares: South Asian, 0.19%; no homozygotes.

Submissions (2):

Labcorp Genetics (formerly Invitae), Labcorp
Classification: Uncertain significance. Last evaluated: 2025-10-13. Review status: criteria provided, single submitter. Criteria: Invitae Variant Classification Sherloc (09022015). Collection method: clinical testing. Allele origin: germline.
Comment: This sequence change replaces proline, which is neutral and non-polar, with serine, which is neutral and polar, at codon 1914 of the ATR protein (p.Pro1914Ser). This variant is present in population databases (rs368559821, gnomAD 0.1%). This variant has not been reported in the literature in individuals affected with ATR-related conditions. ClinVar contains an entry for this variant (Variation ID: 1008930). An algorithm developed to predict the effect of missense changes on protein structure and function outputs the following: PolyPhen-2: "Benign". The serine amino acid residue is found in multiple mammalian species, which suggests that this missense change does not adversely affect protein function. In summary, the available evidence is currently insufficient to determine the role of this variant in disease. Therefore, it has been classified as a Variant of Uncertain Significance.

Blueprint Genetics
Classification: Uncertain significance. Last evaluated: 2024-10-17. Review status: criteria provided, single submitter. Criteria: ACMG Guidelines, 2015. Collection method: clinical testing. Allele origin: germline.

NM_001184.4(ATR):c.5740C>T (p.Pro1914Ser)

Gene: ATR (ATR checkpoint kinase; minus strand). Cytogenetic location: 3q23.
Variant type: single nucleotide variant.
Coding change: c.5740C>T on transcript NM_001184.4 (MANE Select); coding-DNA position 5740, C replaced by T.
Protein change: p.Pro1914Ser; replaces proline 1914 with serine.
Molecular consequence: missense variant.
Genome position (GRCh38, 1-based): chr3:142,496,519, G>A on the plus strand (C>T on the coding strand, the complement: ATR is on the minus strand). VCF-style: chr3-142496519-G-A. GRCh37 (hg19) VCF-style: chr3-142215361-G-A.
Other names: c.5548C>T, p.Pro1850Ser (NM_001354579.2); short protein forms P1850S, P1914S.
Identifiers: ClinVar variation 1008930 (VCV001008930.7), dbSNP rs368559821, ClinGen allele CA2649535.